The following is an entry in ClinVar:

NM_138694.4(PKHD1):c.3369_3370del (p.Glu1124fs)

Gene: PKHD1 (PKHD1 ciliary IPT domain containing fibrocystin/polyductin; minus strand). Cytogenetic location: 6p12.2.
Variant type: Deletion.
Coding change: c.3369_3370del on transcript NM_138694.4 (MANE Select); coding-DNA positions 3369 to 3370, 2 bases deleted (TG; older notation c.3369_3370delTG).
Protein change: p.Glu1124fs; shifts the reading frame from glutamic acid 1124.
Molecular consequence: frameshift variant.
Genome position (GRCh38, 1-based): chr6:52,028,346-52,028,347, CA deleted on the plus strand (TG on the coding strand, the reverse complement: PKHD1 is on the minus strand); deleting any 2 consecutive bases within chr6:52,028,346-52,028,348 gives the same sequence; the c. name uses the placement nearest the transcript's 3' end. VCF-style (leftmost placement, unchanged base first): chr6-52028345-TCA-T. GRCh37 (hg19) VCF-style: chr6-51893143-TCA-T.
Other names: c.3369_3370del, p.Glu1124fs (NM_170724.3); short protein forms E1124fs.
Identifiers: ClinVar variation 1726688 (VCV001726688.2), dbSNP rs2532793431, ClinGen allele CA2580075522.
Genomic context (GRCh38, chr6:52,028,345, plus strand): 5'-TGGACTTCCACATCCAAATCCGTATAGTTCATCAGCCTCGCCACTCCAATGACCAGGGTC[TCA>T]CCGCCTGTGTTGAGAAGAATCCAATAGCCTCTGACATGTGGGGTTTGTGGGCTCAACCAT-3'

ClinVar aggregate classification (germline): Likely pathogenic (1 of 4 stars; one submission).

Conditions:
Polycystic kidney disease 4 (PKD4). Also called: POLYCYSTIC KIDNEY AND HEPATIC DISEASE 1; POLYCYSTIC KIDNEY DISEASE, INFANTILE, TYPE I; POLYCYSTIC KIDNEY DISEASE 4 WITH OR WITHOUT POLYCYSTIC LIVER DISEASE; PKD3; Autosomal Recessive Polycystic Kidney Disease – PKHD1. Identifiers: MedGen C4540575, MONDO:0033004, OMIM 263200.

Submission:

Myriad Genetics, Inc.
Classification: Likely pathogenic for Polycystic kidney disease 4. Last evaluated: 2021-12-30. Review status: criteria provided, single submitter. Criteria: Myriad Women's Health Autosomal Recessive and X-Linked Classification Criteria (2021). Collection method: clinical testing. Allele origin: unknown.
Comment: NM_138694.3(PKHD1):c.3369_3370delTG(E1124Dfs*65) is expected to be pathogenic in the context of autosomal recessive polycystic kidney disease, PKHD1-related. This variant is predicted to lead to an abnormal or absent protein product due to the creation of a premature termination codon in PKHD1, a gene where loss-of-function variants are known to be pathogenic. Please note: this variant was assessed in the context of healthy population screening.